The following is an entry in ClinVar:

ClinVar aggregate classification (germline): Uncertain significance. Review status: criteria provided, multiple submitters, no conflicts (2 of 4 stars). 5 submissions from 5 submitters: Uncertain significance (5). Last evaluated 2025-10-02.

Conditions:
Cardiovascular phenotype. Identifiers: MedGen CN230736.
Cardiomyopathy (CMYO). Also called: Cardiomyopathies. Identifiers: Orphanet 167848, MedGen C0878544, MONDO:0004994, HP:0001638. Inheritance: Various modes of inheritance.
Hypertrophic cardiomyopathy. Also called: HYPERTROPHIC MYOCARDIOPATHY. Identifiers: Orphanet 217569, MedGen C0007194, MeSH D002312, MONDO:0005045, HP:0001639.

Allele frequency attached by ClinVar (database versions not stated): ExAC 0.00001; gnomAD 0.00003; gnomAD exomes 0.00003; TOPMed 0.00003.
gnomAD v4.1: 21 of 1,608,372 alleles (0.0013%); highest among the groups gnomAD compares: Admixed American, 0.0084%; no homozygotes.

Submissions (5):

Labcorp Genetics (formerly Invitae), Labcorp
Classification: Uncertain significance for Hypertrophic cardiomyopathy. Last evaluated: 2025-10-02. Review status: criteria provided, single submitter. Criteria: Invitae Variant Classification Sherloc (09022015). Collection method: clinical testing. Allele origin: germline.
Comment: This sequence change replaces glutamic acid, which is acidic and polar, with lysine, which is basic and polar, at codon 30 of the MYBPC3 protein (p.Glu30Lys). This variant is present in population databases (rs761079937, gnomAD 0.007%). This variant has not been reported in the literature in individuals affected with MYBPC3-related conditions. ClinVar contains an entry for this variant (Variation ID: 188519). An algorithm developed to predict the effect of missense changes on protein structure and function (PolyPhen-2) suggests that this variant is likely to be disruptive. In summary, the available evidence is currently insufficient to determine the role of this variant in disease. Therefore, it has been classified as a Variant of Uncertain Significance.

All of Us Research Program, National Institutes of Health
Classification: Uncertain significance for Hypertrophic cardiomyopathy. Last evaluated: 2024-09-23. Review status: criteria provided, single submitter. Criteria: ACMG Guidelines, 2015. Collection method: clinical testing. Allele origin: germline. Inheritance: Autosomal dominant inheritance. Observed: 4 variant alleles, 4 heterozygotes.
Comment: This missense variant replaces glutamic acid with lysine at codon 30 of the MYBPC3 protein. Computational prediction suggests that this variant may not impact protein structure and function (internally defined REVEL score threshold <= 0.5, PMID: 27666373). To our knowledge, functional studies have not been reported for this variant. This variant has not been reported in individuals affected with MYBPC3-related disorders in the literature. This variant has been identified in 8/240302 chromosomes in the general population by the Genome Aggregation Database (gnomAD). The available evidence is insufficient to determine the role of this variant in disease conclusively. Therefore, this variant is classified as a Variant of Uncertain Significance.

This study involves interpretation of variants in research participants for the purpose of population health screening. Participant phenotype was not available at the time of variant classification. Additional details can be found in publication PMID: 35346344, PMCID: PMC8962531

Ambry Genetics
Classification: Uncertain significance for Cardiovascular phenotype. Last evaluated: 2024-02-13. Review status: criteria provided, single submitter. Criteria: Ambry Variant Classification Scheme 2023. Collection method: clinical testing. Allele origin: germline.
Comment: The p.E30K variant (also known as c.88G>A), located in coding exon 2 of the MYBPC3 gene, results from a G to A substitution at nucleotide position 88. The glutamic acid at codon 30 is replaced by lysine, an amino acid with similar properties. This amino acid position is highly conserved in available vertebrate species. In addition, the in silico prediction for this alteration is inconclusive. Based on the available evidence, the clinical significance of this alteration remains unclear.

CHEO Genetics Diagnostic Laboratory, Children's Hospital of Eastern Ontario
Classification: Uncertain significance for Cardiomyopathy. Last evaluated: 2023-03-29. Review status: criteria provided, single submitter. Criteria: ACMG Guidelines, 2015. Collection method: clinical testing. Allele origin: germline.

GeneDx
Classification: Uncertain significance. Last evaluated: 2022-11-04. Review status: criteria provided, single submitter. Criteria: GeneDx Variant Classification Process June 2021. Collection method: clinical testing. Allele origin: germline. Affected: yes.
Comment: Has not been previously published as pathogenic or benign to our knowledge; In silico analysis supports that this missense variant does not alter protein structure/function

NM_000256.3(MYBPC3):c.88G>A (p.Glu30Lys)

Gene: MYBPC3 (myosin binding protein C3; minus strand). Cytogenetic location: 11p11.2.
Variant type: single nucleotide variant.
Coding change: c.88G>A on transcript NM_000256.3 (MANE Select); coding-DNA position 88, G replaced by A.
Protein change: p.Glu30Lys; replaces glutamic acid 30 with lysine.
Molecular consequence: missense variant.
Genome position (GRCh38, 1-based): chr11:47,351,443, C>T on the plus strand (G>A on the coding strand, the complement: MYBPC3 is on the minus strand). VCF-style: chr11-47351443-C-T. GRCh37 (hg19) VCF-style: chr11-47372994-C-T.
Other names: short protein forms E30K.
Identifiers: ClinVar variation 188519 (VCV000188519.31), dbSNP rs761079937, ClinGen allele CA016004.